The following is an entry in ClinVar:

NM_152419.3(HGSNAT):c.740G>C (p.Arg247Thr)

Gene: HGSNAT (heparan-alpha-glucosaminide N-acetyltransferase; plus strand). Cytogenetic location: 8p11.21.
Variant type: single nucleotide variant.
Coding change: c.740G>C on transcript NM_152419.3 (MANE Select); coding-DNA position 740, G replaced by C.
Protein change: p.Arg247Thr; replaces arginine 247 with threonine.
Molecular consequence: missense variant. On other transcripts: 5 prime UTR variant (1).
Genome position (GRCh38, 1-based): chr8:43,170,691, G>C. VCF-style: chr8-43170691-G-C. GRCh37 (hg19) VCF-style: chr8-43025834-G-C.
Other names: c.740G>C, p.Arg247Thr (NM_001363227.2, NM_001363228.2); c.-94G>C (NM_001363229.2); short protein forms R247T.
Identifiers: ClinVar variation 1304206 (VCV001304206.2), dbSNP rs2130746279, ClinGen allele CA371116268.

ClinVar aggregate classification (germline): Uncertain significance (1 of 4 stars; one submission).

Submission:

GeneDx
Classification: Uncertain significance. Last evaluated: 2020-12-22. Review status: criteria provided, single submitter. Criteria: GeneDx Variant Classification Process June 2021. Collection method: clinical testing. Allele origin: germline. Affected: yes.
Comment: Not observed in large population cohorts (Lek et al., 2016); In silico analysis supports that this missense variant has a deleterious effect on protein structure/function; Has not been previously published as pathogenic or benign to our knowledge